The following is an entry in ClinVar:

NM_003000.3(SDHB):c.460_469del (p.Ile153_Glu154insTer)

Gene: SDHB (succinate dehydrogenase complex iron sulfur subunit B; minus strand). Cytogenetic location: 1p36.13.
Variant type: Deletion.
Coding change: c.460_469del on transcript NM_003000.3 (MANE Select); coding-DNA positions 460 to 469, 10 bases deleted (GAGCCTTATT; older notation c.460_469delGAGCCTTATT).
Protein change: p.Ile153_Glu154insTer.
Molecular consequence: nonsense. On other transcripts: frameshift variant (1).
Genome position (GRCh38, 1-based): chr1:17,027,820-17,027,829, AATAAGGCTC deleted on the plus strand (GAGCCTTATT on the coding strand, the reverse complement: SDHB is on the minus strand); deleting any 10 consecutive bases within chr1:17,027,820-17,027,832 gives the same sequence; the c. name uses the placement nearest the transcript's 3' end. VCF-style (leftmost placement, unchanged base first): chr1-17027819-AAATAAGGCTC-A. GRCh37 (hg19) VCF-style: chr1-17354314-AAATAAGGCTC-A.
Other names: c.460_469del10 (NM_003000.2); c.406_415del, p.Ile135_Glu136insTer (NM_001407361.1).
Identifiers: ClinVar variation 3346697 (VCV003346697.2).

ClinVar aggregate classification (germline): Pathogenic. Review status: criteria provided, single submitter (1 of 4 stars). 2 submissions from 2 submitters: Pathogenic (1). 1 of the submissions does not count toward it. Last evaluated 2026-03-31.

Conditions:
SDHB-related disorder. Also called: SDHB-related condition; SDHB-related disorders. Identifiers: MedGen CN239418.
Hereditary cancer-predisposing syndrome. Also called: Neoplastic Syndromes, Hereditary; Tumor predisposition; Hereditary Cancer Syndrome; Hereditary neoplastic syndrome. Identifiers: Orphanet 140162, MedGen C0027672, MeSH D009386, MONDO:0015356.

Submissions (2):

Ambry Genetics
Classification: Pathogenic for Hereditary cancer-predisposing syndrome. Last evaluated: 2026-03-31. Review status: criteria provided, single submitter. Criteria: Ambry Variant Classification Scheme 2023. Collection method: clinical testing. Allele origin: germline.
Comment: The c.460_469del10 pathogenic mutation, located in coding exon 5 of the SDHB gene, results from a deletion of 10 nucleotides at nucleotide positions 460 to 469, causing a translational frameshift with a predicted alternate stop codon (p.E154*). This variant is considered to be rare based on population cohorts in the Genome Aggregation Database (gnomAD). This alteration is expected to result in loss of function by premature protein truncation or nonsense-mediated mRNA decay. As such, this alteration is interpreted as a disease-causing mutation.

PreventionGenetics, part of Exact Sciences
Classification: Pathogenic for SDHB-related condition. Last evaluated: 2024-07-13. Review status: no assertion criteria provided. Collection method: clinical testing. Allele origin: germline. Not counted in ClinVar's aggregate classification.
Comment: The SDHB c.460_469del10 variant is predicted to result in premature protein termination (p.Glu154*). To our knowledge, this variant has not been reported in the literature or in a large population database, indicating this variant is rare. This variant is absent in ClinVar. Nonsense variants in SDHB are expected to be pathogenic. This variant is interpreted as pathogenic.